The following is an entry in ClinVar:

ClinVar aggregate classification (germline): Uncertain significance (1 of 4 stars; one submission).

Conditions:
ACY1-related disorder. Also called: ACY1-related condition.

Submission:

PreventionGenetics, part of Exact Sciences
Classification: Uncertain significance for ACY1-related condition. Last evaluated: 2025-06-26. Review status: criteria provided, single submitter. Criteria: ACMG Guidelines, 2015. Collection method: clinical testing. Allele origin: germline.
Comment: The ACY1 c.872A>G variant is predicted to result in the amino acid substitution p.Gln291Arg. To our knowledge, this variant has not been reported in the literature or in a large population database (gnomAD), indicating this variant is rare. At this time, the clinical significance of this variant is uncertain due to the absence of conclusive functional and genetic evidence.

NM_000666.3(ACY1):c.872A>G (p.Gln291Arg)

Genes: ABHD14A-ACY1 (ABHD14A-ACY1 readthrough; plus strand), ACY1 (aminoacylase 1; plus strand). Cytogenetic location: 3p21.2.
Variant type: single nucleotide variant.
Coding change: c.872A>G on transcript NM_000666.3 (MANE Select); coding-DNA position 872, A replaced by G.
Protein change: p.Gln291Arg; replaces glutamine 291 with arginine.
Molecular consequence: missense variant.
Genome position (GRCh38, 1-based): chr3:51,987,575, A>G. VCF-style: chr3-51987575-A-G. GRCh37 (hg19) VCF-style: chr3-52021591-A-G.
Other names: c.1142A>G, p.Gln381Arg (NM_001316331.2); c.872A>G, p.Gln291Arg (NM_001198895.2); c.656A>G, p.Gln219Arg (NM_001198896.2); c.677A>G, p.Gln226Arg (NM_001198897.2); c.767A>G, p.Gln256Arg (NM_001198898.2); short protein forms Q219R, Q291R, Q256R, Q226R, Q381R.
Identifiers: ClinVar variation 5000948 (VCV005000948.1).